The following is an entry in ClinVar:

NM_000059.4(BRCA2):c.1889del (p.Thr630fs)

Gene: BRCA2 (BRCA2 DNA repair associated; plus strand). Cytogenetic location: 13q13.1.
Variant type: Deletion.
Coding change: c.1889del on transcript NM_000059.4 (MANE Select); coding-DNA position 1889, one base deleted (C; older notation c.1889delC).
Protein change: p.Thr630fs; shifts the reading frame from threonine 630.
Molecular consequence: frameshift variant.
Genome position (GRCh38, 1-based): chr13:32,333,367, C deleted. VCF-style (leftmost placement, unchanged base first): chr13-32333366-AC-A. GRCh37 (hg19) VCF-style: chr13-32907503-AC-A.
Other names: 2117delC; p.Thr630Asnfs*14; 2117DELC; c.1889delC (NM_000059.3).
Identifiers: ClinVar variation 51221 (VCV000051221.34), dbSNP rs80359315, ClinGen allele CA013753.
Genomic context (GRCh38, chr13:32,333,366, plus strand): 5'-AAATCAGAACTAATTAACTGTTCAGCCCAGTTTGAAGCAAATGCTTTTGAAGCACCACTT[AC>A]ATTTGCAAATGCTGATTCAGGTACCTCTGTCTTTTTTTTTTTGTAAATAGTACATATAGT-3'

ClinVar aggregate classification (germline): Pathogenic. Review status: reviewed by expert panel (3 of 4 stars). 18 submissions from 18 submitters: Pathogenic (1). 17 of the submissions do not count toward it. Last evaluated 2016-09-08.

Conditions:
BRCA2-related disorder. Also called: BRCA2-related condition; BRCA2-related disorders. Identifiers: MedGen CN239275.
Breast-ovarian cancer, familial, susceptibility to, 2 (BROVCA2). Also called: BRCA2 Hereditary Breast and Ovarian Cancer. Identifiers: Orphanet 145, MedGen C2675520, MONDO:0012933, OMIM 612555. Disease mechanism: loss of function.
Fanconi anemia complementation group D1. Also called: BRCA2-Related Fanconi Anemia. Identifiers: Orphanet 319462, MedGen C1838457, MONDO:0011584, OMIM 605724.
Medulloblastoma (MDB). Also called: MEDULLOBLASTOMA PREDISPOSITION SYNDROME; Medulloblastoma, somatic. Identifiers: Orphanet 616, MedGen C0025149, MeSH D008527, MONDO:0007959, OMIM 155255, HP:0002885.
Pancreatic cancer, susceptibility to, 2. Identifiers: Orphanet 1333, MedGen C3150546, MONDO:0013235, OMIM 613347.
Glioma susceptibility 3 (GLM3). Also called: Glioblastoma 3. Identifiers: Orphanet 182067, Orphanet 360, MedGen C2751641, MONDO:0013093, OMIM 613029.
Wilms tumor 1 (WT1). Also called: Wilms tumor, somatic. Identifiers: Orphanet 654, MedGen CN033288, MONDO:0008679, OMIM 194070.
Familial cancer of breast. Also called: hereditary breast carcinoma; BREAST CANCER, FAMILIAL; Hereditary breast cancer. Identifiers: Orphanet 227535, MedGen C0346153, MONDO:0016419, OMIM 114480. Disease mechanism: loss of function.
Prostate cancer. Also called: Malignant tumor of prostate. Identifiers: Orphanet 1331, MedGen C0376358, MONDO:0008315, HP:0012125.
Hereditary cancer-predisposing syndrome. Also called: Hereditary Cancer Syndrome; Neoplastic Syndromes, Hereditary; Hereditary neoplastic syndrome; Tumor predisposition. Identifiers: Orphanet 140162, MedGen C0027672, MeSH D009386, MONDO:0015356.
Hereditary breast ovarian cancer syndrome. Also called: Hereditary breast and ovarian cancer syndrome; Breast and ovarian cancer; Hereditary breast and ovarian cancer syndrome (HBOC); BRCA1- and BRCA2-Associated Hereditary Breast and Ovarian Cancer; Hereditary breast and/or ovarian cancer syndrome; Hereditary breast and ovarian cancer. Identifiers: Orphanet 145, MedGen C0677776, MeSH D061325, MONDO:0003582. Disease mechanism: loss of function.

Allele frequency attached by ClinVar (database versions not stated): gnomAD exomes below 0.00001.

Submissions 1 to 11 of 18:

Evidence-based Network for the Interpretation of Germline Mutant Alleles (ENIGMA)
Classification: Pathogenic for Breast-ovarian cancer, familial, susceptibility to, 2. Last evaluated: 2016-09-08. Review status: reviewed by expert panel. Criteria: ENIGMA BRCA1/2 Classification Criteria (2015). Collection method: curation. Allele origin: germline.
Comment: Variant allele predicted to encode a truncated non-functional protein.

Labcorp Genetics (formerly Invitae), Labcorp
Classification: Pathogenic for Hereditary breast ovarian cancer syndrome. Last evaluated: 2026-01-31. Review status: criteria provided, single submitter. Criteria: Invitae Variant Classification Sherloc (09022015). Collection method: clinical testing. Allele origin: germline. Not counted in ClinVar's aggregate classification.
Comment: This sequence change creates a premature translational stop signal (p.Thr630Asnfs*14) in the BRCA2 gene. It is expected to result in an absent or disrupted protein product. Loss-of-function variants in BRCA2 are known to be pathogenic (PMID: 20104584). This variant is not present in population databases (gnomAD no frequency). This premature translational stop signal has been observed in individual(s) with breast cancer and prostate cancer (PMID: 20736950, 25682074). This variant is also known as 2117delC. ClinVar contains an entry for this variant (Variation ID: 51221). For these reasons, this variant has been classified as Pathogenic.

Mayo Clinic Laboratories, Mayo Clinic
Classification: Pathogenic. Last evaluated: 2025-10-10. Review status: criteria provided, single submitter. Criteria: ACMG Guidelines, 2015. Collection method: clinical testing. Allele origin: germline. Observed: 1 variant allele. Not counted in ClinVar's aggregate classification.
Comment: PM2_supporting, PM5_strong, PVS1

GeneKor MSA
Classification: Pathogenic for Hereditary breast ovarian cancer syndrome. Last evaluated: 2025-06-25. Review status: criteria provided, single submitter. Criteria: ACMG Guidelines, 2015. Collection method: clinical testing. Allele origin: germline. Not counted in ClinVar's aggregate classification.
Comment: This is a single nucleotide deletion in exon 10 of the BRCA2 mRNA c.(1889del), creating a premature translational stop signal 14 amino acid residues later p.Thr630Asnfs*14. The result is a truncated, non-functional protein. Truncating variants in BRCA2 are known to be pathogenic (PMID:20104584). This genomic alteration is also known as 2117delC. This variation is present in population databases (rs80359315). This variant has been reported in the international literature in individuals and families affected with breast, ovarian, pancreatic or prostate cancer (PMID:20736950, 25682074, 27153395, 29371908, 30883245, 32885271, 32918181). The mutation database ClinVar contains entries for this variant where it is listed as pathogenic (VCV000051221.30). Based on the classification criteria set by the ACMG and AMP (PMID:25741868) this variant has been classified as pathogenic.

Color Diagnostics, LLC DBA Color Health
Classification: Pathogenic for Hereditary cancer-predisposing syndrome. Last evaluated: 2024-08-26. Review status: criteria provided, single submitter. Criteria: ACMG Guidelines, 2015. Collection method: clinical testing. Allele origin: germline. Not counted in ClinVar's aggregate classification.
Comment: This variant deletes 1 nucleotide in exon 10 of the BRCA2 gene, creating a frameshift and premature translation stop signal. This variant is expected to result in an absent or non-functional protein product. This variant has been reported in individuals with a personal or family history of breast, ovarian, or prostate cancer (PMID: 20736950, 25682074, 27153395, 29371908, 30883245, Color internal data). This variant has been detected in a breast cancer case-control meta-analysis in 1/60466 cases and 1/53461 unaffected individuals (PMID: 33471991; Leiden Open Variation Database DB-ID BRCA2_004294). This variant has not been identified in the general population by the Genome Aggregation Database (gnomAD). Loss of BRCA2 function is a known mechanism of disease. Based on the available evidence, this variant is classified as Pathogenic.

Blueprint Genetics
Classification: Pathogenic for BRCA2-related disorders. Last evaluated: 2024-07-24. Review status: criteria provided, single submitter. Criteria: ACMG Guidelines, 2015. Collection method: clinical testing. Allele origin: germline. Affected: yes. Observed: 4 variant alleles. Not counted in ClinVar's aggregate classification.

Molecular Pathology, Peter Maccallum Cancer Centre
Classification: Pathogenic for Breast-ovarian cancer, familial, susceptibility to, 2. Last evaluated: 2024-04-04. Review status: criteria provided, single submitter. Criteria: ACMG Guidelines, 2015. Collection method: clinical testing. Allele origin: germline. Inheritance: Autosomal dominant inheritance. Not counted in ClinVar's aggregate classification.

Ambry Genetics
Classification: Pathogenic for Hereditary cancer-predisposing syndrome. Last evaluated: 2024-02-20. Review status: criteria provided, single submitter. Criteria: Ambry Variant Classification Scheme 2023. Collection method: clinical testing. Allele origin: germline. Not counted in ClinVar's aggregate classification.
Comment: The c.1889delC pathogenic mutation, located in coding exon 9 of the BRCA2 gene, results from a deletion of one nucleotide at nucleotide position 1889, causing a translational frameshift with a predicted alternate stop codon (p.T630Nfs*14). This alteration was also identified in a large, worldwide study of BRCA1/2 mutation positive families (Rebbeck TR et al. Hum Mutat, 2018 05;39:593-620) and in an individual undergoing pancreatic cancer screening due to a family history of breast and ovarian cancer (Abe T et al. J Clin Oncol, 2019 05;37:1070-1080). This variant is considered to be rare based on population cohorts in the Genome Aggregation Database (gnomAD). In addition to the clinical data presented in the literature, this alteration is expected to result in loss of function by premature protein truncation or nonsense-mediated mRNA decay. As such, this alteration is interpreted as a disease-causing mutation.

GeneDx
Classification: Pathogenic. Last evaluated: 2023-02-22. Review status: criteria provided, single submitter. Criteria: GeneDx Variant Classification Process June 2021. Collection method: clinical testing. Allele origin: germline. Affected: yes. Not counted in ClinVar's aggregate classification.
Comment: Frameshift variant predicted to result in protein truncation or nonsense mediated decay in a gene for which loss-of-function is a known mechanism of disease; Observed in individuals with breast and prostate cancer (Edwards et al., 2010; Wong-Brown et al., 2015; Davies et al., 2017; Lerner-Ellis et al., 2021); Not observed at significant frequency in large population cohorts (gnomAD); Truncating variants in this gene are considered pathogenic by a well-established clinical consortium and/or database; Also known as 2117delC; This variant is associated with the following publications: (PMID: 26269718, 28288110, 20736950, 29371908, 25682074, 32918181, 30787465, 32885271)

Fulgent Genetics
Classification: Likely pathogenic for Familial cancer of breast; Medulloblastoma; Familial prostate cancer; Wilms tumor 1; Fanconi anemia complementation group D1; Breast-ovarian cancer, familial, susceptibility to, 2; Glioma susceptibility 3; Pancreatic cancer, susceptibility to, 2. Last evaluated: 2022-02-15. Review status: criteria provided, single submitter. Criteria: ACMG Guidelines, 2015. Collection method: clinical testing. Allele origin: unknown. Not counted in ClinVar's aggregate classification.

Baylor Genetics
Classification: Pathogenic for Familial cancer of breast. Last evaluated: 2021-05-18. Review status: criteria provided, single submitter. Criteria: ACMG Guidelines, 2015. Collection method: clinical testing. Allele origin: unknown. Not counted in ClinVar's aggregate classification.